The following is an entry in ClinVar:

ClinVar aggregate classification (germline): Uncertain significance (1 of 4 stars; one submission).

Submission:

Labcorp Genetics (formerly Invitae), Labcorp
Classification: Uncertain significance. Last evaluated: 2021-12-24. Review status: criteria provided, single submitter. Criteria: Invitae Variant Classification Sherloc (09022015). Collection method: clinical testing. Allele origin: germline.
Comment: In summary, the available evidence is currently insufficient to determine the role of this variant in disease. Therefore, it has been classified as a Variant of Uncertain Significance. This sequence change replaces glycine, which is neutral and non-polar, with valine, which is neutral and non-polar, at codon 614 of the CEP250 protein (p.Gly614Val). This variant is not present in population databases (gnomAD no frequency). This variant has not been reported in the literature in individuals affected with CEP250-related conditions. Algorithms developed to predict the effect of missense changes on protein structure and function are either unavailable or do not agree on the potential impact of this missense change (SIFT: "Not Available"; PolyPhen-2: "Possibly Damaging"; Align-GVGD: "Not Available").

NM_007186.6(CEP250):c.1841G>T (p.Gly614Val)

Genes: CEP250 (centrosomal protein 250; plus strand), CEP250-AS1 (CEP250 antisense RNA 1; minus strand). Cytogenetic location: 20q11.22.
Variant type: single nucleotide variant.
Coding change: c.1841G>T on transcript NM_007186.6 (MANE Select); coding-DNA position 1841, G replaced by T.
Protein change: p.Gly614Val; replaces glycine 614 with valine.
Molecular consequence: missense variant. On other transcripts: 5 prime UTR variant (1).
Genome position (GRCh38, 1-based): chr20:35,476,573, G>T. VCF-style: chr20-35476573-G-T. GRCh37 (hg19) VCF-style: chr20-34064398-G-T.
Other names: c.-59G>T (NM_001318219.1); short protein forms G614V.
Identifiers: ClinVar variation 2058402 (VCV002058402.4), dbSNP rs2515730500, ClinGen allele CA408765094.
Genomic context (GRCh38, chr20:35,476,573, plus strand): 5'-TTCGGGCTGCAGCTGTCAAGCTCAGTGCCTTAAATGAGGCTTTGGCGTTAGATAAAGTTG[G>T]GCTGAACCAGCAGCTTCTCCAGGTGAGCAAAGATTTTCCTGGTCCCCACAGAAGGGCTGG-3'
Protein context (NP_009117.2, residues 604-624): LNEALALDKV[Gly614Val]LNQQLLQLEE